The following is an entry in ClinVar:

ClinVar aggregate classification (germline): Uncertain significance. Review status: criteria provided, multiple submitters, no conflicts (2 of 4 stars). 3 submissions from 3 submitters: Uncertain significance (3). Last evaluated 2024-08-11.

Conditions:
Cardiovascular phenotype. Identifiers: MedGen CN230736.

Allele frequency attached by ClinVar (database versions not stated): TOPMed below 0.00001; ExAC 0.00003; gnomAD 0.00004.
gnomAD v4.1: 48 of 1,612,522 alleles (0.003%); highest among the groups gnomAD compares: Non-Finnish European, 0.00059%; no homozygotes.

Submissions (3):

Ambry Genetics
Classification: Uncertain significance for Cardiovascular phenotype. Last evaluated: 2024-08-11. Review status: criteria provided, single submitter. Criteria: Ambry Variant Classification Scheme 2023. Collection method: clinical testing. Allele origin: germline.
Comment: The p.P3376S variant (also known as c.10126C>T), located in coding exon 29 of the TNXB gene, results from a C to T substitution at nucleotide position 10126. The proline at codon 3376 is replaced by serine, an amino acid with similar properties. This amino acid position is conserved. In addition, this alteration is predicted to be tolerated by in silico analysis. Based on the available evidence, the clinical significance of this variant remains unclear.

Clinical Genetics Laboratory, Skane University Hospital Lund
Classification: Uncertain significance. Last evaluated: 2023-06-30. Review status: criteria provided, single submitter. Criteria: ACMG Guidelines, 2015. Collection method: clinical testing. Allele origin: germline. Affected: yes.

GeneDx
Classification: Uncertain significance. Last evaluated: 2022-06-16. Review status: criteria provided, single submitter. Criteria: GeneDx Variant Classification Process June 2021. Collection method: clinical testing. Allele origin: germline. Affected: yes.
Comment: Has not been previously published as pathogenic or benign to our knowledge; In silico analysis supports that this missense variant has a deleterious effect on protein structure/function

NM_001365276.2(TNXB):c.10132C>T (p.Pro3378Ser)

Gene: TNXB (tenascin XB; minus strand). Cytogenetic location: 6p21.33.
Variant type: single nucleotide variant.
Coding change: c.10132C>T on transcript NM_001365276.2 (MANE Select); coding-DNA position 10132, C replaced by T.
Protein change: p.Pro3378Ser; replaces proline 3378 with serine.
Molecular consequence: missense variant.
Genome position (GRCh38, 1-based): chr6:32,047,926, G>A on the plus strand (C>T on the coding strand, the complement: TNXB is on the minus strand). VCF-style: chr6-32047926-G-A. GRCh37 (hg19) VCF-style: chr6-32015703-G-A.
Other names: c.10126C>T, p.Pro3376Ser (NM_019105.8); short protein forms P3376S, P3378S.
Identifiers: ClinVar variation 1804558 (VCV001804558.3), dbSNP rs758528013, ClinGen allele CA3733297.
Genomic context (GRCh38, chr6:32,047,926, plus strand): 5'-CCTGGAGCCGACCATCCTTATCCTTGTACTGGACCACGAAGGAGTCGAATTCGCCCTCAG[G>A]GACCGTCCACGAGAGGCCCACGGAGTCAGGGGTCGCATCTGTCACAGTCAGCTCCCCCAG-3'
Protein context (NP_001352205.1, residues 3368-3388): PDSVGLSWTV[Pro3378Ser]EGEFDSFVVQ